The following is an entry in ClinVar:

ClinVar aggregate classification (germline): Uncertain significance (1 of 4 stars; one submission).

Conditions:
LAMA2-related muscular dystrophy (LAMA2-RD). Also called: Laminin alpha 2-related dystrophy. Identifiers: MedGen C5679788, MONDO:0100228.

Submission:

Labcorp Genetics (formerly Invitae), Labcorp
Classification: Uncertain significance for LAMA2-related muscular dystrophy. Last evaluated: 2024-09-03. Review status: criteria provided, single submitter. Criteria: Invitae Variant Classification Sherloc (09022015). Collection method: clinical testing. Allele origin: germline.
Comment: This sequence change replaces aspartic acid, which is acidic and polar, with tyrosine, which is neutral and polar, at codon 1883 of the LAMA2 protein (p.Asp1883Tyr). This variant is not present in population databases (gnomAD no frequency). This variant has not been reported in the literature in individuals affected with LAMA2-related conditions. Invitae Evidence Modeling of protein sequence and biophysical properties (such as structural, functional, and spatial information, amino acid conservation, physicochemical variation, residue mobility, and thermodynamic stability) indicates that this missense variant is not expected to disrupt LAMA2 protein function with a negative predictive value of 95%. In summary, the available evidence is currently insufficient to determine the role of this variant in disease. Therefore, it has been classified as a Variant of Uncertain Significance.

NM_000426.4(LAMA2):c.5647G>T (p.Asp1883Tyr)

Gene: LAMA2 (laminin subunit alpha 2; plus strand). Cytogenetic location: 6q22.33.
Variant type: single nucleotide variant.
Coding change: c.5647G>T on transcript NM_000426.4 (MANE Select); coding-DNA position 5647, G replaced by T.
Protein change: p.Asp1883Tyr; replaces aspartic acid 1883 with tyrosine.
Molecular consequence: missense variant.
Genome position (GRCh38, 1-based): chr6:129,402,408, G>T. VCF-style: chr6-129402408-G-T. GRCh37 (hg19) VCF-style: chr6-129723553-G-T.
Other names: c.5647G>T, p.Asp1883Tyr (NM_001079823.2); short protein forms D1883Y.
Identifiers: ClinVar variation 3635324 (VCV003635324.2).
Genomic context (GRCh38, chr6:129,402,408, plus strand): 5'-TTGCCACCTATGTCTGAGGAGCTTAATGATAAAATAGATGACCTCTCCCAAGAAATAAAG[G>T]ACAGGAAGCTTGCTGAGAAGGTGTCCCAGGCTGAGAGCCACGCAGCTCAGTTGAATGACT-3'
Protein context (NP_000417.3, residues 1873-1893): KIDDLSQEIK[Asp1883Tyr]RKLAEKVSQA